The following is an entry in ClinVar:

ClinVar aggregate classification (germline): Uncertain significance (1 of 4 stars; one submission).

Conditions:
X-linked Emery-Dreifuss muscular dystrophy. Also called: Muscular dystrophy, tardive Emery-Dreifuss type, with contractures. Identifiers: Orphanet 261, Orphanet 98863, MedGen C0751337, MONDO:0010680.

Submission:

Labcorp Genetics (formerly Invitae), Labcorp
Classification: Uncertain significance for X-linked Emery-Dreifuss muscular dystrophy. Last evaluated: 2023-02-27. Review status: criteria provided, single submitter. Criteria: Invitae Variant Classification Sherloc (09022015). Collection method: clinical testing. Allele origin: germline.
Comment: In summary, the available evidence is currently insufficient to determine the role of this variant in disease. Therefore, it has been classified as a Variant of Uncertain Significance. Advanced modeling of protein sequence and biophysical properties (such as structural, functional, and spatial information, amino acid conservation, physicochemical variation, residue mobility, and thermodynamic stability) performed at Invitae indicates that this missense variant is not expected to disrupt EMD protein function. This variant has not been reported in the literature in individuals affected with EMD-related conditions. This variant is not present in population databases (gnomAD no frequency). This sequence change replaces lysine, which is basic and polar, with arginine, which is basic and polar, at codon 79 of the EMD protein (p.Lys79Arg).

NM_000117.3(EMD):c.236A>G (p.Lys79Arg)

Gene: EMD (emerin; plus strand). Cytogenetic location: Xq28.
Variant type: single nucleotide variant.
Coding change: c.236A>G on transcript NM_000117.3 (MANE Select); coding-DNA position 236, A replaced by G.
Protein change: p.Lys79Arg; replaces lysine 79 with arginine.
Molecular consequence: missense variant.
Genome position (GRCh38, 1-based): chrX:154,379,990, A>G. VCF-style: chrX-154379990-A-G. GRCh37 (hg19) VCF-style: chrX-153608350-A-G.
Other names: short protein forms K79R.
Identifiers: ClinVar variation 2841249 (VCV002841249.3), dbSNP rs2522788318, ClinGen allele CA415257695.